The following is an entry in ClinVar:

NM_001244926.2(PRPF4):c.296A>G (p.Asn99Ser)

Gene: PRPF4 (pre-mRNA splicing tri-snRNP complex factor PRPF4; plus strand). Cytogenetic location: 9q32.
Variant type: single nucleotide variant.
Coding change: c.296A>G on transcript NM_001244926.2 (MANE Select); coding-DNA position 296, A replaced by G.
Protein change: p.Asn99Ser; replaces asparagine 99 with serine.
Molecular consequence: missense variant. On other transcripts: 5 prime UTR variant (2), non-coding transcript variant (2).
Genome position (GRCh38, 1-based): chr9:113,279,035, A>G. VCF-style: chr9-113279035-A-G. GRCh37 (hg19) VCF-style: chr9-116041315-A-G.
Other names: c.299A>G (NM_004697.4); c.-470A>G (NM_001322266.2, NM_001322267.2); c.299A>G, p.Asn100Ser (NM_004697.5); short protein forms N99S, N100S.
Identifiers: ClinVar variation 1040623 (VCV001040623.9), dbSNP rs772800358, ClinGen allele CA5194824.
Genomic context (GRCh38, chr9:113,279,035, plus strand): 5'-GCGAGCGACAGGCAGAAGTATTGGCTGAGTTTGAGAGAAGGAAGCGAGCCCGGCAGATCA[A>G]TGTTTCCACAGATGACTCAGAGGTCAAAGCTTGCCTTAGAGCCTTGGGGGAACCCATCAC-3'
Protein context (NP_001231855.1, residues 89-109): FERRKRARQI[Asn99Ser]VSTDDSEVKA

ClinVar aggregate classification (germline): Uncertain significance. Review status: criteria provided, multiple submitters, no conflicts (2 of 4 stars). 2 submissions from 2 submitters: Uncertain significance (2). Last evaluated 2024-07-16.

Allele frequency attached by ClinVar (database versions not stated): gnomAD exomes below 0.00001 and 0.00001; ExAC 0.00001; gnomAD 0.00001; TOPMed 0.00002.
gnomAD v4.1: 15 of 1,614,144 alleles (0.00093%); highest among the groups gnomAD compares: African/African-American, 0.0013%; no homozygotes.

Submissions (2):

Ambry Genetics
Classification: Uncertain significance. Last evaluated: 2024-07-16. Review status: criteria provided, single submitter. Criteria: Ambry Variant Classification Scheme 2023. Collection method: clinical testing. Allele origin: germline.

Labcorp Genetics (formerly Invitae), Labcorp
Classification: Uncertain significance. Last evaluated: 2024-05-10. Review status: criteria provided, single submitter. Criteria: Invitae Variant Classification Sherloc (09022015). Collection method: clinical testing. Allele origin: germline.
Comment: This sequence change replaces asparagine, which is neutral and polar, with serine, which is neutral and polar, at codon 100 of the PRPF4 protein (p.Asn100Ser). This variant is present in population databases (rs772800358, gnomAD 0.0009%). This missense change has been observed in individual(s) with clinical features of retinitis pigmentosa (Invitae). ClinVar contains an entry for this variant (Variation ID: 1040623). An algorithm developed to predict the effect of missense changes on protein structure and function (PolyPhen-2) suggests that this variant is likely to be tolerated. In summary, the available evidence is currently insufficient to determine the role of this variant in disease. Therefore, it has been classified as a Variant of Uncertain Significance.